The following is an entry in ClinVar:

NM_006231.4(POLE):c.2294G>A (p.Arg765His)

Gene: POLE (DNA polymerase epsilon, catalytic subunit; minus strand). Cytogenetic location: 12q24.33.
Variant type: single nucleotide variant.
Coding change: c.2294G>A on transcript NM_006231.4 (MANE Select); coding-DNA position 2294, G replaced by A.
Protein change: p.Arg765His; replaces arginine 765 with histidine.
Molecular consequence: missense variant.
Genome position (GRCh38, 1-based): chr12:132,667,528, C>T on the plus strand (G>A on the coding strand, the complement: POLE is on the minus strand). VCF-style: chr12-132667528-C-T. GRCh37 (hg19) VCF-style: chr12-133244114-C-T.
Other names: short protein forms R765H.
Identifiers: ClinVar variation 473519 (VCV000473519.9), dbSNP rs1555227096, ClinGen allele CA387352123.

ClinVar aggregate classification (germline): Uncertain significance. Review status: criteria provided, multiple submitters, no conflicts (2 of 4 stars). 2 submissions from 2 submitters: Uncertain significance (2). Last evaluated 2024-11-04.

Conditions:
Hereditary cancer-predisposing syndrome. Also called: Neoplastic Syndromes, Hereditary; Tumor predisposition; Hereditary Cancer Syndrome; Hereditary neoplastic syndrome. Identifiers: Orphanet 140162, MedGen C0027672, MeSH D009386, MONDO:0015356.

gnomAD v4.1: 2 of 1,614,180 alleles (0.00012%); highest among the groups gnomAD compares: African/African-American, 0.0013%; no homozygotes.

Submissions (2):

Labcorp Genetics (formerly Invitae), Labcorp
Classification: Uncertain significance. Last evaluated: 2024-11-04. Review status: criteria provided, single submitter. Criteria: Invitae Variant Classification Sherloc (09022015). Collection method: clinical testing. Allele origin: germline.
Comment: This sequence change replaces arginine, which is basic and polar, with histidine, which is basic and polar, at codon 765 of the POLE protein (p.Arg765His). This variant is not present in population databases (gnomAD no frequency). This variant has not been reported in the literature in individuals affected with POLE-related conditions. ClinVar contains an entry for this variant (Variation ID: 473519). Invitae Evidence Modeling of protein sequence and biophysical properties (such as structural, functional, and spatial information, amino acid conservation, physicochemical variation, residue mobility, and thermodynamic stability) indicates that this missense variant is expected to disrupt POLE protein function with a positive predictive value of 80%. In summary, the available evidence is currently insufficient to determine the role of this variant in disease. Therefore, it has been classified as a Variant of Uncertain Significance.

Ambry Genetics
Classification: Uncertain significance for Hereditary cancer-predisposing syndrome. Last evaluated: 2021-09-07. Review status: criteria provided, single submitter. Criteria: Ambry Variant Classification Scheme 2023. Collection method: clinical testing. Allele origin: germline.
Comment: The p.R765H variant (also known as c.2294G>A), located in coding exon 20 of the POLE gene, results from a G to A substitution at nucleotide position 2294. The arginine at codon 765 is replaced by histidine, an amino acid with highly similar properties. This amino acid position is conserved. In addition, the in silico prediction for this alteration is inconclusive. Since supporting evidence is limited at this time, the clinical significance of this alteration remains unclear.